The following is an entry in ClinVar:

NM_000038.6(APC):c.-19+541G>A

Gene: APC (APC regulator of WNT signaling pathway; plus strand). Cytogenetic location: 5q22.2.
Variant type: single nucleotide variant.
Coding change: c.-19+541G>A on transcript NM_000038.6 (MANE Select); 541 bases into the intron after 19 bases upstream of the start codon, G replaced by A.
Molecular consequence: intron variant.
Genome position (GRCh38, 1-based): chr5:112,738,466, G>A. VCF-style: chr5-112738466-G-A. GRCh37 (hg19) VCF-style: chr5-112074163-G-A.
Other names: c.-1053-16407G>A (NM_001407470.1, NM_001407472.1); c.-18-16407G>A (NM_001407447.1, NM_001354895.2, NM_001407456.1 and 7 more transcripts); c.166-27860G>A (NM_001407446.1, NM_001354897.2, NM_001354902.2 and 1 more transcripts); c.-42-27860G>A (NM_001407453.1); c.-19+6G>A (NM_001407449.1, NM_001127510.3, NM_001407455.1 and 1 more transcripts); c.60+6G>A (NM_001407451.1, NM_001354898.2, NM_001354904.2); c.-1054+541G>A (NM_001354906.2, NM_001407471.1); c.-19+541G>A (NM_001354896.2, NM_001407454.1, NM_001354903.2 and 2 more transcripts); and 1 more.
Identifiers: ClinVar variation 3051875 (VCV003051875.2), dbSNP rs1752593729, ClinGen allele CA1573459437.

ClinVar aggregate classification (germline): Likely benign (0 of 4 stars; one submission).

Conditions:
APC-related disorder. Also called: APC-related condition.

Allele frequency attached by ClinVar (database versions not stated): gnomAD exomes below 0.00001; TOPMed below 0.00001.
gnomAD v4.1: 4 of 985,932 alleles (0.00041%); highest among the groups gnomAD compares: Non-Finnish European, 0.00048%; no homozygotes.

Submission:

PreventionGenetics, part of Exact Sciences
Classification: Likely benign for APC-related condition. Last evaluated: 2023-10-20. Review status: no assertion criteria provided. Collection method: clinical testing. Allele origin: germline.
Comment: This variant is classified as likely benign based on ACMG/AMP sequence variant interpretation guidelines (Richards et al. 2015 PMID: 25741868, with internal and published modifications).